The following is an entry in ClinVar:

ClinVar aggregate classification (germline): Pathogenic. Review status: criteria provided, multiple submitters, no conflicts (2 of 4 stars). 3 submissions from 3 submitters: Pathogenic (3). Last evaluated 2024-02-21.

Conditions:
Familial cancer of breast. Also called: hereditary breast carcinoma; BREAST CANCER, FAMILIAL; Hereditary breast cancer. Identifiers: Orphanet 227535, MedGen C0346153, MONDO:0016419, OMIM 114480. Disease mechanism: loss of function.
Fanconi anemia complementation group J. Also called: BRIP1-Related Fanconi Anemia. Identifiers: Orphanet 84, MedGen C1836860, MONDO:0012187, OMIM 609054.
Hereditary cancer-predisposing syndrome. Also called: Neoplastic Syndromes, Hereditary; Hereditary Cancer Syndrome; Hereditary neoplastic syndrome; Tumor predisposition. Identifiers: Orphanet 140162, MedGen C0027672, MeSH D009386, MONDO:0015356.

Submissions (3):

Ambry Genetics
Classification: Pathogenic for Hereditary cancer-predisposing syndrome. Last evaluated: 2024-02-21. Review status: criteria provided, single submitter. Criteria: Ambry Variant Classification Scheme 2023. Collection method: clinical testing. Allele origin: germline.
Comment: The c.1614delT pathogenic mutation, located in coding exon 10 of the BRIP1 gene, results from a deletion of one nucleotide at nucleotide position 1614, causing a translational frameshift with a predicted alternate stop codon (p.F538Lfs*52). This alteration is expected to result in loss of function by premature protein truncation or nonsense-mediated mRNA decay. This variant is considered to be rare based on population cohorts in the Genome Aggregation Database (gnomAD). As such, this alteration is interpreted as a disease-causing mutation.

Myriad Genetics, Inc.
Classification: Pathogenic for Familial cancer of breast. Last evaluated: 2023-06-02. Review status: criteria provided, single submitter. Criteria: Myriad Autosomal Dominant, Autosomal Recessive and X-Linked Classification Criteria (2023). Collection method: clinical testing. Allele origin: unknown.
Comment: This variant is considered pathogenic. This variant creates a frameshift predicted to result in premature protein truncation.

Labcorp Genetics (formerly Invitae), Labcorp
Classification: Pathogenic for Familial cancer of breast; Fanconi anemia complementation group J. Last evaluated: 2019-12-16. Review status: criteria provided, single submitter. Criteria: Invitae Variant Classification Sherloc (09022015). Collection method: clinical testing. Allele origin: germline.
Comment: This variant is not present in population databases (ExAC no frequency). This sequence change creates a premature translational stop signal (p.Phe538Leufs*52) in the BRIP1 gene. It is expected to result in an absent or disrupted protein product. This variant has not been reported in the literature in individuals with BRIP1-related conditions. For these reasons, this variant has been classified as Pathogenic. Loss-of-function variants in BRIP1 are known to be pathogenic (PMID: 16116423, 17033622, 21964575).

Literature cited by the submitters: PubMed 16116423 (cited by Labcorp Genetics (formerly Invitae), Labcorp); PubMed 17033622 (cited by Labcorp Genetics (formerly Invitae), Labcorp); PubMed 21964575 (cited by Labcorp Genetics (formerly Invitae), Labcorp).

NM_032043.3(BRIP1):c.1614del (p.Phe538fs)

Gene: BRIP1 (BRCA1 interacting DNA helicase 1; minus strand). Cytogenetic location: 17q23.2.
Variant type: Deletion.
Coding change: c.1614del on transcript NM_032043.3 (MANE Select); coding-DNA position 1614, one base deleted (T; older notation c.1614delT).
Protein change: p.Phe538fs; shifts the reading frame from phenylalanine 538.
Molecular consequence: frameshift variant.
Genome position (GRCh38, 1-based): chr17:61,784,284, A deleted on the plus strand (T on the coding strand, the reverse complement: BRIP1 is on the minus strand); the first of 5 consecutive A bases (chr17:61,784,284-61,784,288); deleting any one gives the same sequence. VCF-style (leftmost placement, unchanged base first): chr17-61784283-TA-T. GRCh37 (hg19) VCF-style: chr17-59861644-TA-T.
Other names: c.1614delT (NM_032043.2); short protein forms F538fs.
Identifiers: ClinVar variation 849354 (VCV000849354.11), dbSNP rs2077667669, ClinGen allele CA916081910.